The following is an entry in ClinVar:

NM_004646.4(NPHS1):c.3109+3G>T

Gene: NPHS1 (NPHS1 adhesion molecule, nephrin; minus strand). Cytogenetic location: 19q13.12.
Variant type: single nucleotide variant.
Coding change: c.3109+3G>T on transcript NM_004646.4 (MANE Select); 3 bases into the intron after coding-DNA position 3109, G replaced by T.
Molecular consequence: intron variant.
Genome position (GRCh38, 1-based): chr19:35,839,234, C>A on the plus strand (G>T on the coding strand, the complement: NPHS1 is on the minus strand). VCF-style: chr19-35839234-C-A. GRCh37 (hg19) VCF-style: chr19-36330136-C-A.
Identifiers: ClinVar variation 757420 (VCV000757420.16), dbSNP rs199888357, ClinGen allele CA9389928.

ClinVar aggregate classification (germline): Conflicting classifications of pathogenicity. Review status: criteria provided, conflicting classifications (1 of 4 stars). 4 submissions from 4 submitters: Uncertain significance (2); Likely benign (1). 1 of the submissions does not count toward it. Last evaluated 2026-01-24.

Conditions:
Kidney disorder. Also called: renal disorder; Kidney Diseases; Nephropathy; renal disease; Kidney disease. Identifiers: MedGen C0022658, MONDO:0005240, HP:0000112.
NPHS1-related disorder. Also called: NPHS1-related condition.

Allele frequency attached by ClinVar (database versions not stated): gnomAD exomes 0.00022; ExAC 0.00026; TOPMed 0.00094; gnomAD 0.00095 and 0.00101; 1000 Genomes Project 30x 0.00109; 1000 Genomes Project 0.00120; ESP Exome Variant Server 0.00123.
gnomAD v4.1: 274 of 1,614,156 alleles (0.017%); highest among the groups gnomAD compares: African/African-American, 0.33%; no homozygotes.

Submissions (4):

Labcorp Genetics (formerly Invitae), Labcorp
Classification: Likely benign. Last evaluated: 2026-01-24. Review status: criteria provided, single submitter. Criteria: Invitae Variant Classification Sherloc (09022015). Collection method: clinical testing. Allele origin: germline.

Blueprint Genetics
Classification: Uncertain significance. Last evaluated: 2024-10-18. Review status: criteria provided, single submitter. Criteria: ACMG Guidelines, 2015. Collection method: clinical testing. Allele origin: germline.

Genome Diagnostics Laboratory, The Hospital for Sick Children
Classification: Uncertain significance for Kidney disorder. Last evaluated: 2017-04-03. Review status: criteria provided, single submitter. Criteria: ACMG Guidelines, 2015. Collection method: clinical testing. Allele origin: germline.

PreventionGenetics, part of Exact Sciences
Classification: Likely benign for NPHS1-related condition. Last evaluated: 2022-06-27. Review status: no assertion criteria provided. Collection method: clinical testing. Allele origin: germline. Not counted in ClinVar's aggregate classification.
Comment: This variant is classified as likely benign based on ACMG/AMP sequence variant interpretation guidelines (Richards et al. 2015 PMID: 25741868, with internal and published modifications).